The following is an entry in ClinVar:

ClinVar aggregate classification (germline): Likely benign. Review status: criteria provided, multiple submitters, no conflicts (2 of 4 stars). 2 submissions from 2 submitters: Likely benign (2). Last evaluated 2025-10-19.

gnomAD v4.1: 41 of 1,590,038 alleles (0.0026%); highest among the groups gnomAD compares: Admixed American, 0.05%; no homozygotes.

Submissions (2):

Labcorp Genetics (formerly Invitae), Labcorp
Classification: Likely benign. Last evaluated: 2025-10-19. Review status: criteria provided, single submitter. Criteria: Invitae Variant Classification Sherloc (09022015). Collection method: clinical testing. Allele origin: germline.

Women's Health and Genetics/Laboratory Corporation of America, LabCorp
Classification: Likely benign. Last evaluated: 2023-10-24. Review status: criteria provided, single submitter. Criteria: LabCorp Variant Classification Summary - May 2015. Collection method: clinical testing. Allele origin: germline.
Comment: Variant summary: HPS4 c.1955+18G>C alters a non-conserved nucleotide located at a position not widely known to affect splicing. Consensus agreement among computation tools predict no significant impact on normal splicing. However, these predictions have yet to be confirmed by functional studies. The variant allele was found at a frequency of 6.4e-05 in 249560 control chromosomes. This frequency is not significantly higher than estimated for a pathogenic variant in HPS4 causing Hermansky-Pudlak Syndrome (6.4e-05 vs 0.00052), allowing no conclusion about variant significance. To our knowledge, no occurrence of c.1955+18G>C in individuals affected with Hermansky-Pudlak Syndrome and no experimental evidence demonstrating its impact on protein function have been reported. One submitter has cited clinical-significance assessments for this variant to ClinVar after 2014 and has classified the variant as likely benign. Based on the evidence outlined above, the variant was classified as likely benign.

NM_022081.6(HPS4):c.1955+18G>C

Gene: HPS4 (HPS4 biogenesis of lysosomal organelles complex 3 subunit 2; minus strand). Cytogenetic location: 22q12.1.
Variant type: single nucleotide variant.
Coding change: c.1955+18G>C on transcript NM_022081.6 (MANE Select); 18 bases into the intron after coding-DNA position 1955, G replaced by C.
Molecular consequence: intron variant.
Genome position (GRCh38, 1-based): chr22:26,457,841, C>G on the plus strand (G>C on the coding strand, the complement: HPS4 is on the minus strand). VCF-style: chr22-26457841-C-G. GRCh37 (hg19) VCF-style: chr22-26853807-C-G.
Other names: c.1955+18G>C (NM_001349905.1, NM_001349904.2, NM_001349896.1 and 2 more transcripts); c.1714-4437G>C (NM_001349902.1, NM_001349903.2); c.2009+18G>C (NM_001349901.1, NM_001349900.2); c.1940+18G>C (NM_152841.2).
Identifiers: ClinVar variation 1643653 (VCV001643653.9), dbSNP rs149340443, ClinGen allele CA10163137.